The following is an entry in ClinVar:

ClinVar aggregate classification (germline): Benign (1 of 4 stars; one submission).

Conditions:
Von Hippel-Lindau syndrome (VHLS). Also called: Von Hippel-Lindau; von Hippel–Lindau syndrome; VHL syndrome. Identifiers: Orphanet 892, MedGen C0019562, MONDO:0008667, OMIM 193300. Disease mechanism: loss of function.

Submission:

Myriad Genetics, Inc.
Classification: Benign for Von Hippel-Lindau syndrome. Last evaluated: 2025-06-11. Review status: criteria provided, single submitter. Criteria: Myriad Autosomal Dominant, Autosomal Recessive and X-Linked Classification Criteria (2023). Collection method: clinical testing. Allele origin: unknown.
Comment: This variant is considered benign. This variant is intronic and is not expected to impact mRNA splicing.

NM_000551.4(VHL):c.340+7_340+24dup

Gene: VHL (von Hippel-Lindau tumor suppressor; plus strand). Cytogenetic location: 3p25.3.
Variant type: Duplication.
Coding change: c.340+7_340+24dup on transcript NM_000551.4 (MANE Select); bases 7 to 24 of the intron after coding-DNA position 340, 18 bases duplicated (GCCCGGCGCTTAGGCCCG).
Molecular consequence: intron variant.
Genome position (GRCh38, 1-based): chr3:10,142,194-10,142,211, GCCCGGCGCTTAGGCCCG duplicated; duplicating any 18 consecutive bases within chr3:10,142,193-10,142,211 gives the same sequence; the c. name uses the placement nearest the transcript's 3' end. VCF-style (leftmost placement, unchanged base first): chr3-10142192-G-GGGCCCGGCGCTTAGGCCC. GRCh37 (hg19) VCF-style: chr3-10183876-G-GGGCCCGGCGCTTAGGCCC.
Other names: c.340+7_340+24dup (NM_001354723.2, NM_198156.3).
Identifiers: ClinVar variation 4071284 (VCV004071284.1).
Genomic context (GRCh38, chr3:10,142,192, plus strand): 5'-GCAGCCCTACCCAACGCTGCCGCCTGGCACGGGCCGCCGCATCCACAGCTACCGAGGTAC[G>GGGCCCGGCGCTTAGGCCC]GGCCCGGCGCTTAGGCCCGACCCAGCAGGGACGATAGCACGGTCTGAAGCCCCTCTACCG-3'